The following is an entry in ClinVar:

ClinVar aggregate classification (germline): Pathogenic. Review status: criteria provided, multiple submitters, no conflicts (2 of 4 stars). 2 submissions from 2 submitters: Pathogenic (2). Last evaluated 2026-08-21.

Conditions:
Joubert syndrome 23 (JBTS23). Identifiers: Orphanet 475, MedGen C4084822, MONDO:0014664, OMIM 616490.
Short-rib thoracic dysplasia 14 with polydactyly (SRTD14). Identifiers: Orphanet 397715, MedGen C4225286, MONDO:0014688, OMIM 616546.

gnomAD v4.1: 7 of 1,532,150 alleles (0.00046%); highest among the groups gnomAD compares: African/African-American, 0.0014%; no homozygotes.

Submissions (2):

MVZ Martinsried, Medicover Genetics
Classification: Pathogenic for Joubert syndrome 23. Last evaluated: 2026-08-21. Review status: criteria provided, single submitter. Criteria: ClinGen Variant Curation SOP V3.2 + Classification Guidance July2025. Collection method: clinical testing. Allele origin: inherited. Affected: yes. Observed: 1 heterozygote.

Labcorp Genetics (formerly Invitae), Labcorp
Classification: Pathogenic for Joubert syndrome 23; Short-rib thoracic dysplasia 14 with polydactyly. Last evaluated: 2025-01-20. Review status: criteria provided, single submitter. Criteria: Invitae Variant Classification Sherloc (09022015). Collection method: clinical testing. Allele origin: germline.
Comment: This sequence change creates a premature translational stop signal (p.Gln640*) in the KIAA0586 gene. It is expected to result in an absent or disrupted protein product. Loss-of-function variants in KIAA0586 are known to be pathogenic (PMID: 26096313, 26166481, 26386044). This variant is not present in population databases (gnomAD no frequency). This variant has not been reported in the literature in individuals affected with KIAA0586-related conditions. Algorithms developed to predict the effect of sequence changes on RNA splicing suggest that this variant may disrupt the consensus splice site. For these reasons, this variant has been classified as Pathogenic.

Literature cited by the submitters: PubMed 26096313 (cited by Labcorp Genetics (formerly Invitae), Labcorp); PubMed 26166481 (cited by Labcorp Genetics (formerly Invitae), Labcorp); PubMed 26386044 (cited by Labcorp Genetics (formerly Invitae), Labcorp).

NM_001329943.3(KIAA0586):c.1759C>T (p.Gln587Ter)

Gene: KIAA0586 (KIAA0586; plus strand). Cytogenetic location: 14q23.1.
Variant type: single nucleotide variant.
Coding change: c.1759C>T on transcript NM_001329943.3 (MANE Select); coding-DNA position 1759, C replaced by T.
Protein change: p.Gln587Ter; replaces glutamine 587 with a stop codon.
Molecular consequence: nonsense. On other transcripts: intron variant (1).
Genome position (GRCh38, 1-based): chr14:58,459,945, C>T. VCF-style: chr14-58459945-C-T. GRCh37 (hg19) VCF-style: chr14-58926663-C-T.
Other names: c.1918C>T, p.Gln640Ter (NM_001244189.2); c.1714C>T, p.Gln572Ter (NM_001244190.2); c.1504C>T, p.Gln502Ter (NM_001244191.2, NM_001329945.2, NM_001364700.1 and 1 more transcripts); c.1627C>T, p.Gln543Ter (NM_001244192.2); c.1339C>T, p.Gln447Ter (NM_001244193.2); c.1759C>T, p.Gln587Ter (NM_001329944.2, NM_001329946.2, NM_001329947.2); c.1657-1041C>T (NM_014749.5); short protein forms Q447*, Q502*, Q543*, Q572*, Q587*, Q640*.
Identifiers: ClinVar variation 3756244 (VCV003756244.3), dbSNP rs2040191088.